The following is an entry in ClinVar:

NM_001370658.1(BTD):c.68A>G (p.His23Arg)

Gene: BTD (biotinidase; plus strand). Cytogenetic location: 3p25.1.
Variant type: single nucleotide variant.
Coding change: c.68A>G on transcript NM_001370658.1 (MANE Select); coding-DNA position 68, A replaced by G.
Protein change: p.His23Arg; replaces histidine 23 with arginine.
Molecular consequence: missense variant.
Genome position (GRCh38, 1-based): chr3:15,635,507, A>G. VCF-style: chr3-15635507-A-G. GRCh37 (hg19) VCF-style: chr3-15677014-A-G.
Other names: H43R; c.128A>G, p.His43Arg (NM_000060.4); c.68A>G, p.His23Arg (NM_001281723.4, NM_001281724.3, NM_001281725.3 and 37 more transcripts); short protein forms H23R.
Identifiers: ClinVar variation 38483 (VCV000038483.16), dbSNP rs146011150, ClinGen allele CA278364.
Genomic context (GRCh38, chr3:15,635,507, plus strand): 5'-GAGCCAGAAGTAAGCTTGCTCTTTTCCTCTGCGGCTGTTACGTGGTTGCCCTGGGAGCCC[A>G]CACCGGGGAGGAGAGCGTGGCTGACCATCACGAGGCTGAATATTATGTGGCTGCCGTGTA-3'
Protein context (NP_001357587.1, residues 13-33): CGCYVVALGA[His23Arg]TGEESVADHH

ClinVar aggregate classification (germline): Conflicting classifications of pathogenicity. Review status: criteria provided, conflicting classifications (1 of 4 stars). 8 submissions from 8 submitters: Uncertain significance (5); Likely benign (1). 2 of the submissions do not count toward it. Last evaluated 2026-04-08.

Conditions:
BTD-related disorder. Also called: BTD-related condition.
Inborn genetic diseases. Identifiers: MedGen C0950123, MeSH D030342.
Biotinidase deficiency. Also called: Biotin deficiency; BTD deficiency; Late-onset biotin-responsive multiple carboxylase deficiency. Identifiers: Orphanet 79241, MedGen C0220754, MONDO:0009665, OMIM 253260.
Intellectual disability. Also called: Intellectual functioning disability; intellectual disabilities; Intellectual developmental disorder. Identifiers: MedGen C3714756, MeSH D008607, MONDO:0001071, HP:0001249.

Allele frequency attached by ClinVar (database versions not stated): TOPMed 0.00033; gnomAD 0.00042; gnomAD exomes 0.00036 and 0.00065; ESP Exome Variant Server 0.00069; ExAC 0.00035.
gnomAD v4.1: 1,024 of 1,614,048 alleles (0.063%); highest among the groups gnomAD compares: Non-Finnish European, 0.078%; 1 homozygote.

Submissions (8):

PreventionGenetics, part of Exact Sciences
Classification: Uncertain significance for BTD-related condition. Last evaluated: 2026-04-08. Review status: criteria provided, single submitter. Criteria: ACMG Guidelines, 2015. Collection method: clinical testing. Allele origin: germline.
Comment: The BTD c.128A>G variant is predicted to result in the amino acid substitution p.His43Arg. This variant has been reported together with BTD pathogenic variant in an individual submitted for biotinidase genetic testing, however information about biotinidase activity was not provided (subject 45, Table 2, Procter et al. 2016. PubMed ID: 26810761). This variant is reported in 0.070% of alleles in individuals of European (Non-Finnish) descent in gnomAD. Although we suspect that this variant may be benign, at this time, the clinical significance of this variant is uncertain due to the absence of conclusive functional and genetic evidence.

Blueprint Genetics
Classification: Uncertain significance. Last evaluated: 2024-10-02. Review status: criteria provided, single submitter. Criteria: ACMG Guidelines, 2015. Collection method: clinical testing. Allele origin: germline.

Labcorp Genetics (formerly Invitae), Labcorp
Classification: Uncertain significance for Biotinidase deficiency. Last evaluated: 2022-10-24. Review status: criteria provided, single submitter. Criteria: Invitae Variant Classification Sherloc (09022015). Collection method: clinical testing. Allele origin: germline.
Comment: This sequence change replaces histidine, which is basic and polar, with arginine, which is basic and polar, at codon 43 of the BTD protein (p.His43Arg). This variant is present in population databases (rs146011150, gnomAD 0.07%). This missense change has been observed in individual(s) with a positive newborn screening result for BTD-related disease (PMID: 26810761). ClinVar contains an entry for this variant (Variation ID: 38483). Algorithms developed to predict the effect of missense changes on protein structure and function output the following: SIFT: "Tolerated"; PolyPhen-2: "Benign"; Align-GVGD: "Class C0". The arginine amino acid residue is found in multiple mammalian species, which suggests that this missense change does not adversely affect protein function. In summary, the available evidence is currently insufficient to determine the role of this variant in disease. Therefore, it has been classified as a Variant of Uncertain Significance.

Baylor Genetics
Classification: Uncertain significance for Biotinidase deficiency. Last evaluated: 2022-10-22. Review status: criteria provided, single submitter. Criteria: ACMG Guidelines, 2015. Collection method: clinical testing. Allele origin: unknown.

Ambry Genetics
Classification: Uncertain significance for Inborn genetic diseases. Last evaluated: 2022-06-29. Review status: criteria provided, single submitter. Criteria: Ambry Variant Classification Scheme 2023. Collection method: clinical testing. Allele origin: germline.

Institute of Human Genetics, University of Leipzig Medical Center
Classification: Likely benign for Biotinidase deficiency. Last evaluated: 2019-01-01. Review status: criteria provided, single submitter. Criteria: ACMG Guidelines, 2015. Collection method: clinical testing. Allele origin: unknown. Affected: yes.

Natera, Inc.
Classification: Uncertain significance for Biotinidase deficiency. Last evaluated: 2020-02-04. Review status: no assertion criteria provided. Collection method: clinical testing. Allele origin: germline. Not counted in ClinVar's aggregate classification.

Centre de Biologie Pathologie Génétique, Centre Hospitalier Universitaire de Lille
Classification: Uncertain significance for Intellectual disability. Last evaluated: 2019-01-01. Review status: no assertion criteria provided. Collection method: clinical testing. Allele origin: unknown. Affected: yes. Not counted in ClinVar's aggregate classification.

Literature cited by the submitters: PubMed 26810761 (cited by Labcorp Genetics (formerly Invitae), Labcorp and Ambry Genetics).